The following is an entry in ClinVar:

ClinVar aggregate classification (germline): Conflicting classifications of pathogenicity. Review status: criteria provided, conflicting classifications (1 of 4 stars). 3 submissions from 3 submitters: Uncertain significance (1); Likely benign (1). 1 of the submissions does not count toward it. Last evaluated 2026-01-15.

Conditions:
DST-related disorder. Also called: DST-related disorders; DST-related condition.
Hereditary sensory and autonomic neuropathy type 6. Also called: HSAN VI; Neuropathy, hereditary sensory and autonomic, type VI. Identifiers: Orphanet 314381, MedGen C3539003, MONDO:0013839, OMIM 614653.
Epidermolysis bullosa simplex 3, localized or generalized intermediate, with BP230 deficiency (EBS3). Also called: Epidermolysis bullosa simplex due to BP230 deficiency; Epidermolysis bullosa simplex, autosomal recessive 2. Identifiers: Orphanet 412181, MedGen C3809470, MONDO:0014180, OMIM 615425.

Allele frequency attached by ClinVar (database versions not stated): 1000 Genomes Project 30x 0.00109; gnomAD 0.00041 and 0.00044; 1000 Genomes Project 0.00120; ESP Exome Variant Server 0.00031; TOPMed 0.00049.
gnomAD v4.1: 245 of 1,613,240 alleles (0.015%); highest among the groups gnomAD compares: East Asian, 0.33%; 2 homozygotes.

Submissions (3):

Labcorp Genetics (formerly Invitae), Labcorp
Classification: Likely benign for Epidermolysis bullosa simplex 3, localized or generalized intermediate, with BP230 deficiency; Hereditary sensory and autonomic neuropathy type 6. Last evaluated: 2026-01-15. Review status: criteria provided, single submitter. Criteria: Invitae Variant Classification Sherloc (09022015). Collection method: clinical testing. Allele origin: germline.

GeneDx
Classification: Uncertain significance. Last evaluated: 2025-10-30. Review status: criteria provided, single submitter. Criteria: GeneDx Variant Classification Process June 2021. Collection method: clinical testing. Allele origin: germline.
Comment: Reported previously in a patient with progressive stiffness, weakness, ataxia, spasticity with hyperreflexia, scissors gait, and mild cerebellar atrophy on MRI who also harbored multiple other variants including compound heterozygous SPG7 variants that looked to be the cause for the symptoms (PMID: 30497413); In silico analysis suggests that this missense variant does not alter protein structure/function; Reported using the transcript encoding the epithelial isoform of the gene.; This variant is associated with the following publications: (PMID: 30497413)

PreventionGenetics, part of Exact Sciences
Classification: Likely benign for DST-related condition. Last evaluated: 2023-11-19. Review status: no assertion criteria provided. Collection method: clinical testing. Allele origin: germline. Not counted in ClinVar's aggregate classification.
Comment: This variant is classified as likely benign based on ACMG/AMP sequence variant interpretation guidelines (Richards et al. 2015 PMID: 25741868, with internal and published modifications).

NM_001723.7(DST):c.4772A>C (p.Gln1591Pro)

Gene: DST (dystonin; minus strand). Cytogenetic location: 6p12.1.
Variant type: single nucleotide variant.
Coding change: c.4772A>C on transcript NM_001723.7 (MANE Plus Clinical); coding-DNA position 4772, A replaced by C.
Protein change: p.Gln1591Pro; replaces glutamine 1591 with proline.
Molecular consequence: missense variant. On other transcripts: intron variant (10).
Genome position (GRCh38, 1-based): chr6:56,619,262, T>G on the plus strand (A>C on the coding strand, the complement: DST is on the minus strand). VCF-style: chr6-56619262-T-G. GRCh37 (hg19) VCF-style: chr6-56484060-T-G.
Other names: c.4831-4778A>C (NM_001144769.5); c.4930-4778A>C (NM_001374722.1, NM_001374736.1); c.4957-4778A>C (NM_001374734.1); c.4417-4778A>C (NM_001144770.2); c.4297-4778A>C (NM_001374730.1, NM_001386100.1, NM_183380.4 and 1 more transcripts); c.3319-4778A>C (NM_015548.5); short protein forms Q1591P.
Identifiers: ClinVar variation 474527 (VCV000474527.19), dbSNP rs138185589, ClinGen allele CA3870479.